The following is an entry in ClinVar:

ClinVar aggregate classification (germline): Conflicting classifications of pathogenicity. Review status: criteria provided, conflicting classifications (1 of 4 stars). 3 submissions from 3 submitters: Uncertain significance (2); Likely benign (1). Last evaluated 2025-01-14.

Conditions:
Hereditary cancer-predisposing syndrome. Also called: Neoplastic Syndromes, Hereditary; Hereditary neoplastic syndrome; Hereditary Cancer Syndrome; Tumor predisposition. Identifiers: Orphanet 140162, MedGen C0027672, MeSH D009386, MONDO:0015356.
POLD1-related polyposis and colorectal cancer syndrome (CRCS10). Also called: Colorectal cancer, susceptibility to, 10; Colorectal cancer 10; COLORECTAL CANCER, SUSCEPTIBILITY TO, ON CHROMOSOME 19q. Identifiers: Orphanet 220460, MedGen C2675481, MONDO:0012953, OMIM 612591.

Allele frequency attached by ClinVar (database versions not stated): gnomAD 0.00001; gnomAD exomes 0.00001; TOPMed 0.00001.
gnomAD v4.1: 9 of 1,534,974 alleles (0.00059%); highest among the groups gnomAD compares: Non-Finnish European, 0.00079%; no homozygotes.

Submissions (3):

Ambry Genetics
Classification: Likely benign for Hereditary cancer-predisposing syndrome. Last evaluated: 2025-01-14. Review status: criteria provided, single submitter. Criteria: Ambry Variant Classification Scheme 2023. Collection method: clinical testing. Allele origin: germline.

Labcorp Genetics (formerly Invitae), Labcorp
Classification: Uncertain significance for POLD1-related polyposis and colorectal cancer syndrome. Last evaluated: 2024-12-19. Review status: criteria provided, single submitter. Criteria: Invitae Variant Classification Sherloc (09022015). Collection method: clinical testing. Allele origin: germline.
Comment: This sequence change replaces histidine, which is basic and polar, with proline, which is neutral and non-polar, at codon 1021 of the POLD1 protein (p.His1021Pro). This variant is present in population databases (no rsID available, gnomAD 0.007%). This variant has not been reported in the literature in individuals affected with POLD1-related conditions. ClinVar contains an entry for this variant (Variation ID: 408028). Invitae Evidence Modeling of protein sequence and biophysical properties (such as structural, functional, and spatial information, amino acid conservation, physicochemical variation, residue mobility, and thermodynamic stability) indicates that this missense variant is not expected to disrupt POLD1 protein function with a negative predictive value of 80%. In summary, the available evidence is currently insufficient to determine the role of this variant in disease. Therefore, it has been classified as a Variant of Uncertain Significance.

GeneDx
Classification: Uncertain significance. Last evaluated: 2024-06-10. Review status: criteria provided, single submitter. Criteria: GeneDx Variant Classification Process June 2021. Collection method: clinical testing. Allele origin: germline. Affected: yes.
Comment: Not observed at significant frequency in large population cohorts (gnomAD); In silico analysis indicates that this missense variant does not alter protein structure/function; Has not been previously published as pathogenic or benign to our knowledge; This variant is associated with the following publications: (PMID: 19296856)

NM_002691.4(POLD1):c.3062A>C (p.His1021Pro)

Gene: POLD1 (DNA polymerase delta 1, catalytic subunit; plus strand). Cytogenetic location: 19q13.33.
Variant type: single nucleotide variant.
Coding change: c.3062A>C on transcript NM_002691.4 (MANE Select); coding-DNA position 3062, A replaced by C.
Protein change: p.His1021Pro; replaces histidine 1021 with proline.
Molecular consequence: missense variant. On other transcripts: non-coding transcript variant (1).
Genome position (GRCh38, 1-based): chr19:50,416,718, A>C. VCF-style: chr19-50416718-A-C. GRCh37 (hg19) VCF-style: chr19-50919975-A-C.
Other names: c.3062A>C, p.His1021Pro (NM_001256849.1); c.3140A>C, p.His1047Pro (NM_001308632.1); c.3062A>C (NM_002691.2); short protein forms H1021P, H1047P.
Identifiers: ClinVar variation 408028 (VCV000408028.12), dbSNP rs892295785, ClinGen allele CA16616186.